The following is an entry in ClinVar:

ClinVar aggregate classification (germline): Benign. Review status: criteria provided, single submitter (1 of 4 stars). 2 submissions from 2 submitters: Benign (1). 1 of the submissions does not count toward it. Last evaluated 2026-01-25.

Conditions:
DST-related disorder. Also called: DST-related condition; DST-related disorders.
Epidermolysis bullosa simplex 3, localized or generalized intermediate, with BP230 deficiency (EBS3). Also called: Epidermolysis bullosa simplex, autosomal recessive 2; Epidermolysis bullosa simplex due to BP230 deficiency. Identifiers: Orphanet 412181, MedGen C3809470, MONDO:0014180, OMIM 615425.
Hereditary sensory and autonomic neuropathy type 6. Also called: HSAN VI; Neuropathy, hereditary sensory and autonomic, type VI. Identifiers: Orphanet 314381, MedGen C3539003, MONDO:0013839, OMIM 614653.

Allele frequency attached by ClinVar (database versions not stated): gnomAD exomes 0.00225; ExAC 0.00296; gnomAD 0.00961 and 0.01035; ESP Exome Variant Server 0.01046; TOPMed 0.01088; 1000 Genomes Project 0.01258; 1000 Genomes Project 30x 0.01405.
gnomAD v4.1: 2,749 of 1,585,620 alleles (0.17%); highest among the groups gnomAD compares: African/African-American, 3.3%; 40 homozygotes.

Submissions (2):

Labcorp Genetics (formerly Invitae), Labcorp
Classification: Benign for Epidermolysis bullosa simplex 3, localized or generalized intermediate, with BP230 deficiency; Hereditary sensory and autonomic neuropathy type 6. Last evaluated: 2026-01-25. Review status: criteria provided, single submitter. Criteria: Invitae Variant Classification Sherloc (09022015). Collection method: clinical testing. Allele origin: germline.

PreventionGenetics, part of Exact Sciences
Classification: Benign for DST-related condition. Last evaluated: 2024-01-16. Review status: no assertion criteria provided. Collection method: clinical testing. Allele origin: germline. Not counted in ClinVar's aggregate classification.
Comment: This variant is classified as benign based on ACMG/AMP sequence variant interpretation guidelines (Richards et al. 2015 PMID: 25741868, with internal and published modifications).

NM_001374736.1(DST):c.4831-3C>A

Gene: DST (dystonin; minus strand). Cytogenetic location: 6p12.1.
Variant type: single nucleotide variant.
Coding change: c.4831-3C>A on transcript NM_001374736.1 (MANE Select); 3 bases into the intron before coding-DNA position 4831, C replaced by A.
Molecular consequence: intron variant.
Genome position (GRCh38, 1-based): chr6:56,624,631, G>T on the plus strand (C>A on the coding strand, the complement: DST is on the minus strand). VCF-style: chr6-56624631-G-T. GRCh37 (hg19) VCF-style: chr6-56489429-G-T.
Other names: c.4732-3C>A (NM_001144769.5); c.4831-3C>A (NM_001374722.1); c.4858-3C>A (NM_001374734.1); c.4318-3C>A (NM_001144770.2); c.4198-3C>A (NM_001374730.1, NM_001386100.1, NM_183380.4 and 1 more transcripts); c.3220-3C>A (NM_015548.5, NM_001723.7).
Identifiers: ClinVar variation 357591 (VCV000357591.17), dbSNP rs115890942, ClinGen allele CA3870779.